The following is an entry in ClinVar:

ClinVar aggregate classification (germline): Conflicting classifications of pathogenicity. Review status: criteria provided, conflicting classifications (1 of 4 stars). 5 submissions from 5 submitters: Uncertain significance (4); Benign (1). Last evaluated 2024-06-01.

Conditions:
Type 2 diabetes mellitus. Also called: Type II diabetes mellitus. Identifiers: MedGen C0011860, MeSH D003924, MONDO:0005148, OMIM 125853, HP:0005978.

Allele frequency attached by ClinVar (database versions not stated): 1000 Genomes Project 0.00020; 1000 Genomes Project 30x 0.00031; TOPMed 0.00116; gnomAD exomes 0.00130 and 0.00244; ExAC 0.00134; gnomAD 0.00150 and 0.00154; ESP Exome Variant Server 0.00192.
gnomAD v4.1: 3,726 of 1,612,072 alleles (0.23%); highest among the groups gnomAD compares: Non-Finnish European, 0.3%; 1 homozygote.

Submissions (5):

CeGaT Center for Human Genetics Tuebingen
Classification: Benign. Last evaluated: 2024-06-01. Review status: criteria provided, single submitter. Criteria: CeGaT Center For Human Genetics Tuebingen Variant Classification Criteria Version 2. Collection method: clinical testing. Allele origin: germline. Affected: yes. Observed: 1 variant allele.
Comment: GPD2: BS1, BS2

Department of Pathology and Laboratory Medicine, Sinai Health System
Classification: Uncertain significance for Type 2 diabetes mellitus. Last evaluated: 2023-07-31. Review status: criteria provided, single submitter. Criteria: ACMG Guidelines, 2015. Collection method: research. Allele origin: germline.

GeneDx
Classification: Uncertain significance. Last evaluated: 2017-09-19. Review status: criteria provided, single submitter. Criteria: GeneDx Variant Classification (06012015). Collection method: clinical testing. Allele origin: germline. Affected: yes.
Comment: The P205L variant in the GPD2 gene has been reported previously in a patient with intellectual disability, mild dysmorphism, and a pervasive developmental disorder who was compound heterozygous for the P205L variant and a de novo 298 kb deletion encompassing two genes, including the GPD2 gene (Barge-Schaapveld et al., 2013). The P205L variant was also seen in the patient's healthy mother and sister, who were shown by functional studies to have reduced GPD2 activity (Barge-Schaapveld et al., 2013). The P205L variant is observed in 142/66688 (0.2%) alleles from individuals of non-Finnish European background in the ExAC dataset, and in 1 homozygous presumably healthy individual undergoing testing at GeneDx (Lek et al., 2016). The P205L variant is a semi-conservative amino acid substitution, which may impact secondary protein structure as these residues differ in some properties. This substitution occurs at a position that is conserved across species. In silico analysis predicts this variant is probably damaging to the protein structure/function. We interpret P205L as a variant of uncertain significance.

Eurofins Ntd Llc (ga)
Classification: Uncertain significance. Last evaluated: 2017-04-14. Review status: criteria provided, single submitter. Criteria: EGL Classification Definitions 2015. Collection method: clinical testing. Allele origin: germline. Observed: 1 variant allele.

Breakthrough Genomics
Classification: Uncertain significance. Review status: criteria provided, single submitter. Criteria: ACMG Guidelines, 2015. Collection method: not provided. Allele origin: germline. Inheritance: Autosomal dominant inheritance. Affected: yes.

NM_000408.5(GPD2):c.614C>T (p.Pro205Leu)

Gene: GPD2 (glycerol-3-phosphate dehydrogenase 2; plus strand). Cytogenetic location: 2q24.1.
Variant type: single nucleotide variant.
Coding change: c.614C>T on transcript NM_000408.5 (MANE Select); coding-DNA position 614, C replaced by T.
Protein change: p.Pro205Leu; replaces proline 205 with leucine.
Molecular consequence: missense variant.
Genome position (GRCh38, 1-based): chr2:156,513,449, C>T. VCF-style: chr2-156513449-C-T. GRCh37 (hg19) VCF-style: chr2-157369961-C-T.
Other names: c.614C>T, p.Pro205Leu (NM_001083112.3); short protein forms P205L.
Identifiers: ClinVar variation 449030 (VCV000449030.26), dbSNP rs142821701, ClinGen allele CA1916709.